The following is an entry in ClinVar:

ClinVar aggregate classification (germline): Pathogenic. Review status: criteria provided, multiple submitters, no conflicts (2 of 4 stars). 3 submissions from 3 submitters: Pathogenic (2). 1 of the submissions does not count toward it. Last evaluated 2023-12-12.

Conditions:
Leber congenital amaurosis (LCA). Also called: Leber's amaurosis. Identifiers: Orphanet 65, MedGen C0339527, MeSH D057130, MONDO:0018998.
Retinal dystrophy. Also called: Inherited retinal dystrophy. Identifiers: Orphanet 71862, MedGen C0854723, MeSH D058499, MONDO:0019118, HP:0000556.
Cone-rod dystrophy 6 (CORD6). Also called: Cone dystrophy progressive; RETINAL CONE DYSTROPHY 2. Identifiers: Orphanet 1872, MedGen C1866293, MONDO:0011143, OMIM 601777.
Leber congenital amaurosis 1 (LCA1). Also called: AMAUROSIS CONGENITA OF LEBER I; Congenital absence of the rods and cones; Leber's congenital tapetoretinal degeneration; Leber's congenital tapetoretinal dysplasia; RETINAL BLINDNESS, CONGENITAL. Identifiers: Orphanet 65, MedGen C2931258, MONDO:0008764, OMIM 204000.

Submissions (3):

Labcorp Genetics (formerly Invitae), Labcorp
Classification: Pathogenic for Leber congenital amaurosis 1; Cone-rod dystrophy 6. Last evaluated: 2023-12-12. Review status: criteria provided, single submitter. Criteria: Invitae Variant Classification Sherloc (09022015). Collection method: clinical testing. Allele origin: germline.
Comment: This sequence change creates a premature translational stop signal (p.Phe482Glyfs*78) in the GUCY2D gene. It is expected to result in an absent or disrupted protein product. Loss-of-function variants in GUCY2D are known to be pathogenic (PMID: 10951519, 11328726). This variant is not present in population databases (gnomAD no frequency). This premature translational stop signal has been observed in individual(s) with GUCY2D-related conditions (PMID: 17964524). ClinVar contains an entry for this variant (Variation ID: 636034). Algorithms developed to predict the effect of sequence changes on RNA splicing suggest that this variant may disrupt the consensus splice site. For these reasons, this variant has been classified as Pathogenic.

Institute of Human Genetics, Univ. Regensburg, Univ. Regensburg
Classification: Pathogenic for Retinal dystrophy. Last evaluated: 2020-01-01. Review status: criteria provided, single submitter. Criteria: ACMG Guidelines, 2015. Collection method: clinical testing. Allele origin: germline. Affected: yes.

Department of Clinical Genetics, Copenhagen University Hospital, Rigshospitalet
Classification: Likely pathogenic for Leber congenital amaurosis. Last evaluated: 2018-04-01. Review status: no assertion criteria provided. Collection method: research. Allele origin: unknown. Affected: yes. Study: VeluxRD. Not counted in ClinVar's aggregate classification.

Literature cited by the submitters: PubMed 10951519 (cited by Labcorp Genetics (formerly Invitae), Labcorp); PubMed 11328726 (cited by Labcorp Genetics (formerly Invitae), Labcorp); PubMed 17964524 (cited by Labcorp Genetics (formerly Invitae), Labcorp); PubMed 30718709 (cited by Department of Clinical Genetics, Copenhagen University Hospital, Rigshospitalet).

NM_000180.4(GUCY2D):c.1433_1442dup (p.Phe482fs)

Gene: GUCY2D (guanylate cyclase 2D, retinal; plus strand). Cytogenetic location: 17p13.1.
Variant type: Duplication.
Coding change: c.1433_1442dup on transcript NM_000180.4 (MANE Select); coding-DNA positions 1433 to 1442, 10 bases duplicated (TGGCTGGGGC; older notation c.1433_1442dupTGGCTGGGGC).
Protein change: p.Phe482fs; shifts the reading frame from phenylalanine 482.
Molecular consequence: frameshift variant.
Genome position (GRCh38, 1-based): chr17:8,007,114-8,007,123, TGGCTGGGGC duplicated; duplicating any 10 consecutive bases within chr17:8,007,108-8,007,123 gives the same sequence; the c. name uses the placement nearest the transcript's 3' end. VCF-style (leftmost placement, unchanged base first): chr17-8007107-A-ATGGGGCTGGC. GRCh37 (hg19) VCF-style: chr17-7910425-A-ATGGGGCTGGC.
Other names: short protein forms F482fs.
Identifiers: ClinVar variation 636034 (VCV000636034.6), dbSNP rs1598146589, ClinGen allele CA915949554.